The following is an entry in ClinVar:

ClinVar aggregate classification (germline): Uncertain significance (1 of 4 stars; one submission).

Conditions:
Hereditary cancer-predisposing syndrome. Also called: Hereditary neoplastic syndrome; Neoplastic Syndromes, Hereditary; Tumor predisposition; Hereditary Cancer Syndrome. Identifiers: Orphanet 140162, MedGen C0027672, MeSH D009386, MONDO:0015356.

Submission:

Ambry Genetics
Classification: Uncertain significance for Hereditary cancer-predisposing syndrome. Last evaluated: 2025-03-03. Review status: criteria provided, single submitter. Criteria: Ambry Variant Classification Scheme 2023. Collection method: clinical testing. Allele origin: germline.
Comment: The c.4854_4859delTGGGCC variant (also known as p.G1619_P1620del) is located in coding exon 29 of the ALK gene. This variant results from an in-frame TGGGCC deletion at nucleotide positions 4854 to 4859. This results in the in-frame deletion of 2 residues (GP) including codons 1619 and 1620. This amino acid region is not well conserved in available vertebrate species. In addition, this alteration is predicted to be deleterious by in silico analysis (Choi Y et al. PLoS ONE. 2012; 7(10):e46688). Based on the available evidence, the clinical significance of this variant remains unclear.

NM_004304.5(ALK):c.4854_4859del (p.Gly1619_Pro1620del)

Gene: ALK (ALK receptor tyrosine kinase; minus strand). Cytogenetic location: 2p23.2.
Variant type: Deletion.
Coding change: c.4854_4859del on transcript NM_004304.5 (MANE Select); coding-DNA positions 4854 to 4859, 6 bases deleted (TGGGCC; older notation c.4854_4859delTGGGCC).
Protein change: p.Gly1619_Pro1620del.
Molecular consequence: inframe deletion.
Genome position (GRCh38, 1-based): chr2:29,193,228-29,193,233, GGCCCA deleted on the plus strand (TGGGCC on the coding strand, the reverse complement: ALK is on the minus strand); deleting any 6 consecutive bases within chr2:29,193,228-29,193,236 gives the same sequence; the c. name uses the placement nearest the transcript's 3' end. VCF-style (leftmost placement, unchanged base first): chr2-29193227-GGGCCCA-G. GRCh37 (hg19) VCF-style: chr2-29416093-GGGCCCA-G.
Other names: c.1650_1655del, p.Gly551_Pro552del (NM_001353765.2).
Identifiers: ClinVar variation 3855839 (VCV003855839.1).